The following is an entry in ClinVar:

NM_012186.3(FOXE3):c.356T>C (p.Ile119Thr)

Genes: FOXE3 (forkhead box E3; plus strand), LINC01389 (long independently transcribed non-coding RNA 1389; minus strand). Cytogenetic location: 1p33.
Variant type: single nucleotide variant.
Coding change: c.356T>C on transcript NM_012186.3 (MANE Select); coding-DNA position 356, T replaced by C.
Protein change: p.Ile119Thr; replaces isoleucine 119 with threonine.
Molecular consequence: missense variant.
Genome position (GRCh38, 1-based): chr1:47,416,671, T>C. VCF-style: chr1-47416671-T-C. GRCh37 (hg19) VCF-style: chr1-47882343-T-C.
Other names: short protein forms I119T.
Identifiers: ClinVar variation 4792183 (VCV004792183.1).

ClinVar aggregate classification (germline): Uncertain significance (1 of 4 stars; one submission).

Conditions:
Anterior segment dysgenesis. Also called: Ocular anterior segment dysgenesis. Identifiers: Orphanet 88632, MedGen C1862839, MONDO:0019503, HP:0007700.
Congenital primary aphakia. Also called: Anterior segment dysgenesis 2, multiple subtypes; ANTERIOR SEGMENT DYSGENESIS 2. Identifiers: Orphanet 83461, MedGen C1853230, MONDO:0012456, OMIM 610256.

Submission:

Labcorp Genetics (formerly Invitae), Labcorp
Classification: Uncertain significance for Anterior segment dysgenesis; Congenital primary aphakia. Last evaluated: 2025-08-01. Review status: criteria provided, single submitter. Criteria: Invitae Variant Classification Sherloc (09022015). Collection method: clinical testing. Allele origin: germline.
Comment: This sequence change replaces isoleucine, which is neutral and non-polar, with threonine, which is neutral and polar, at codon 119 of the FOXE3 protein (p.Ile119Thr). This variant is not present in population databases (gnomAD no frequency). This variant has not been reported in the literature in individuals affected with FOXE3-related conditions. Invitae Evidence Modeling of protein sequence and biophysical properties (such as structural, functional, and spatial information, amino acid conservation, physicochemical variation, residue mobility, and thermodynamic stability) indicates that this missense variant is expected to disrupt FOXE3 protein function with a positive predictive value of 95%. In summary, the available evidence is currently insufficient to determine the role of this variant in disease. Therefore, it has been classified as a Variant of Uncertain Significance.